The following is an entry in ClinVar:

ClinVar aggregate classification (germline): Pathogenic. Review status: criteria provided, multiple submitters, no conflicts (2 of 4 stars). 3 submissions from 3 submitters: Pathogenic (3). Last evaluated 2025-11-05.

Conditions:
Cardiomyopathy (CMYO). Also called: Cardiomyopathies. Identifiers: Orphanet 167848, MedGen C0878544, MONDO:0004994, HP:0001638. Inheritance: Various modes of inheritance.
Arrhythmogenic right ventricular dysplasia 8 (ARVD8). Also called: ARRHYTHMOGENIC RIGHT VENTRICULAR DYSPLASIA, FAMILIAL, 8; Arrhythmogenic Right Ventricular Dysplasia/Cardiomyopathy 8; ARRHYTHMOGENIC RIGHT VENTRICULAR CARDIOMYOPATHY 8. Identifiers: MedGen C1843896, MONDO:0011831, OMIM 607450.
Arrhythmogenic cardiomyopathy with wooly hair and keratoderma. Also called: Carvajal syndrome; PALMOPLANTAR KERATODERMA WITH LEFT VENTRICULAR CARDIOMYOPATHY AND WOOLLY HAIR; Dilated cardiomyopathy with woolly hair and keratoderma; Arrhythmogenic cardiomyopathy with woolly hair and keratoderma. Identifiers: Orphanet 65282, MedGen C1854063, MONDO:0011581, OMIM 605676.

Submissions (3):

Labcorp Genetics (formerly Invitae), Labcorp
Classification: Pathogenic for Arrhythmogenic cardiomyopathy with wooly hair and keratoderma; Arrhythmogenic right ventricular dysplasia 8. Last evaluated: 2025-11-05. Review status: criteria provided, single submitter. Criteria: Invitae Variant Classification Sherloc (09022015). Collection method: clinical testing. Allele origin: germline.
Comment: This sequence change creates a premature translational stop signal (p.Gln1311Profs*13) in the DSP gene. It is expected to result in an absent or disrupted protein product. Loss-of-function variants in DSP are known to be pathogenic (PMID: 20716751, 24503780, 25227139, 30398466). This variant is not present in population databases (gnomAD no frequency). This variant has not been reported in the literature in individuals affected with DSP-related conditions. ClinVar contains an entry for this variant (Variation ID: 3386669). For these reasons, this variant has been classified as Pathogenic.

All of Us Research Program, National Institutes of Health
Classification: Pathogenic for Arrhythmogenic cardiomyopathy with wooly hair and keratoderma. Last evaluated: 2024-07-29. Review status: criteria provided, single submitter. Criteria: ACMG Guidelines, 2015. Collection method: clinical testing. Allele origin: germline. Inheritance: Autosomal dominant inheritance. Observed: 1 variant allele, 1 heterozygote.
Comment: This variant deletes 5 nucleotides in exon 23 of the DSP gene, creating a frameshift and premature translation stop signal. This variant is expected to result in an absent or non-functional protein product. This variant has been reported in an individual affected with arrhythmogenic cardiomyopathy (PMID: 36768812). This variant has not been identified in the general population by the Genome Aggregation Database (gnomAD). Loss of DSP function is a known mechanism of disease. Based on the available evidence, this variant is classified as Pathogenic.

This study involves interpretation of variants in research participants for the purpose of population health screening. Participant phenotype was not available at the time of variant classification. Additional details can be found in publication PMID: 35346344, PMCID: PMC8962531

Color Diagnostics, LLC DBA Color Health
Classification: Pathogenic for Cardiomyopathy. Last evaluated: 2024-05-09. Review status: criteria provided, single submitter. Criteria: ACMG Guidelines, 2015. Collection method: clinical testing. Allele origin: germline.
Comment: This variant deletes 5 nucleotides in exon 23 of the DSP gene, creating a frameshift and premature translation stop signal. This variant is expected to result in an absent or non-functional protein product. This variant has been reported in an individual affected with arrhythmogenic cardiomyopathy (PMID: 36768812). This variant has not been identified in the general population by the Genome Aggregation Database (gnomAD). Loss of DSP function is a known mechanism of disease. Based on the available evidence, this variant is classified as Pathogenic.

Literature cited by the submitters: PubMed 20716751 (cited by Labcorp Genetics (formerly Invitae), Labcorp); PubMed 24503780 (cited by Labcorp Genetics (formerly Invitae), Labcorp); PubMed 25227139 (cited by Labcorp Genetics (formerly Invitae), Labcorp); PubMed 30398466 (cited by Labcorp Genetics (formerly Invitae), Labcorp); PubMed 36768812 (cited by All of Us Research Program, National Institutes of Health and Color Diagnostics, LLC DBA Color Health).

NM_004415.4(DSP):c.3932_3936del (p.Gln1311fs)

Gene: DSP (desmoplakin; plus strand). Cytogenetic location: 6p24.3.
Variant type: Deletion.
Coding change: c.3932_3936del on transcript NM_004415.4 (MANE Select); coding-DNA positions 3932 to 3936, 5 bases deleted (AGTCC; older notation c.3932_3936delAGTCC).
Protein change: p.Gln1311fs; shifts the reading frame from glutamine 1311.
Molecular consequence: frameshift variant. On other transcripts: intron variant (1).
Genome position (GRCh38, 1-based): chr6:7,580,122-7,580,126, AGTCC deleted; deleting any 5 consecutive bases within chr6:7,580,121-7,580,126 gives the same sequence; the c. name uses the placement nearest the transcript's 3' end. VCF-style (leftmost placement, unchanged base first): chr6-7580120-GCAGTC-G. GRCh37 (hg19) VCF-style: chr6-7580353-GCAGTC-G.
Other names: c.3932_3936del, p.Gln1311fs (NM_001319034.2); c.3582+350_3582+354del (NM_001008844.3); short protein forms Q1311fs.
Identifiers: ClinVar variation 3386669 (VCV003386669.4).